The following is an entry in ClinVar:

ClinVar aggregate classification (germline): Benign. Review status: criteria provided, multiple submitters, no conflicts (2 of 4 stars). 2 submissions from 2 submitters: Benign (2). Last evaluated 2018-01-13.

Conditions:
Warburg micro syndrome 1 (WARBM1). Identifiers: Orphanet 2510, MedGen C1838625, MONDO:0010822, OMIM 600118.

Allele frequency attached by ClinVar (database versions not stated): gnomAD exomes 0.02537; TOPMed 0.06578; gnomAD 0.05991 and 0.06295; 1000 Genomes Project 30x 0.05809; 1000 Genomes Project 0.05651.
gnomAD v4.1: 15,588 of 407,592 alleles (3.8%); highest among the groups gnomAD compares: African/African-American, 15%; 709 homozygotes.

Submissions (2):

Illumina Laboratory Services, Illumina
Classification: Benign for Warburg micro syndrome 1. Last evaluated: 2018-01-13. Review status: criteria provided, single submitter. Criteria: ICSL Variant Classification Criteria 13 December 2019. Collection method: clinical testing. Allele origin: germline.
Comment: This variant was observed in the ICSL laboratory as part of a predisposition screen in an ostensibly healthy population. It had not been previously curated by ICSL or reported in the Human Gene Mutation Database (HGMD: prior to June 1st, 2018), and was therefore a candidate for classification through an automated scoring system. Utilizing variant allele frequency, disease prevalence and penetrance estimates, and inheritance mode, an automated score was calculated to assess if this variant is too frequent to cause the disease. Based on the score and internal cut-off values, a variant classified as benign is not then subjected to further curation. The score for this variant resulted in a classification of benign for this disease.

Breakthrough Genomics
Classification: Benign. Review status: criteria provided, single submitter. Criteria: ACMG Guidelines, 2015. Collection method: not provided. Allele origin: germline. Inheritance: Autosomal recessive inheritance. Affected: yes.

NM_012233.3(RAB3GAP1):c.*1077T>C

Gene: RAB3GAP1 (RAB3 GTPase activating protein catalytic subunit 1; plus strand). Cytogenetic location: 2q21.3.
Variant type: single nucleotide variant.
Coding change: c.*1077T>C on transcript NM_012233.3 (MANE Select); 1077 bases downstream of the stop codon, T replaced by C.
Molecular consequence: 3 prime UTR variant.
Genome position (GRCh38, 1-based): chr2:135,169,858, T>C. VCF-style: chr2-135169858-T-C. GRCh37 (hg19) VCF-style: chr2-135927428-T-C.
Other names: c.*1077T>C (NM_001172435.2).
Identifiers: ClinVar variation 331146 (VCV000331146.6), dbSNP rs16831395, ClinGen allele CA10612125.